The following is an entry in ClinVar:

NM_005901.6(SMAD2):c.1289C>T (p.Thr430Met)

Gene: SMAD2 (SMAD family member 2; minus strand). Cytogenetic location: 18q21.1.
Variant type: single nucleotide variant.
Coding change: c.1289C>T on transcript NM_005901.6 (MANE Select); coding-DNA position 1289, C replaced by T.
Protein change: p.Thr430Met; replaces threonine 430 with methionine.
Molecular consequence: missense variant.
Genome position (GRCh38, 1-based): chr18:47,841,942, G>A on the plus strand (C>T on the coding strand, the complement: SMAD2 is on the minus strand). VCF-style: chr18-47841942-G-A. GRCh37 (hg19) VCF-style: chr18-45368313-G-A.
Other names: c.1289C>T, p.Thr430Met (NM_001003652.4); c.1199C>T, p.Thr400Met (NM_001135937.3); short protein forms T430M, T400M.
Identifiers: ClinVar variation 2787693 (VCV002787693.3), dbSNP rs747308534, ClinGen allele CA8956010.

ClinVar aggregate classification (germline): Uncertain significance (1 of 4 stars; one submission).

Allele frequency attached by ClinVar (database versions not stated): ExAC 0.00001; gnomAD 0.00001; gnomAD exomes 0.00001.

Submission:

Labcorp Genetics (formerly Invitae), Labcorp
Classification: Uncertain significance. Last evaluated: 2023-05-22. Review status: criteria provided, single submitter. Criteria: Invitae Variant Classification Sherloc (09022015). Collection method: clinical testing. Allele origin: germline.
Comment: In summary, the available evidence is currently insufficient to determine the role of this variant in disease. Therefore, it has been classified as a Variant of Uncertain Significance. Advanced modeling of protein sequence and biophysical properties (such as structural, functional, and spatial information, amino acid conservation, physicochemical variation, residue mobility, and thermodynamic stability) performed at Invitae indicates that this missense variant is expected to disrupt SMAD2 protein function. This variant has not been reported in the literature in individuals affected with SMAD2-related conditions. This variant is present in population databases (rs747308534, gnomAD 0.01%). This sequence change replaces threonine, which is neutral and polar, with methionine, which is neutral and non-polar, at codon 430 of the SMAD2 protein (p.Thr430Met).